The following is an entry in ClinVar:

ClinVar aggregate classification (germline): Pathogenic (1 of 4 stars; one submission).

Conditions:
Deficiency of cytochrome-b5 reductase. Also called: METHEMOGLOBINEMIA, CONGENITAL, AUTOSOMAL RECESSIVE; NADH-DEPENDENT METHEMOGLOBIN REDUCTASE DEFICIENCY. Identifiers: Orphanet 621, MedGen C0268193, MONDO:0009606, OMIM 250800.

Submission:

3billion
Classification: Pathogenic for Deficiency of cytochrome-b5 reductase. Last evaluated: 2024-12-20. Review status: criteria provided, single submitter. Criteria: ACMG Guidelines, 2015. Collection method: clinical testing. Allele origin: germline. Affected: yes.
Comment: The variant is not observed in the gnomAD v4.1.0 dataset. Predicted Consequence/Location: Frameshift: predicted to result in a loss or disruption of normal protein function through nonsense-mediated decay (NMD) or protein truncation. Multiple pathogenic variants are reported downstream of the variant. Therefore, this variant is classified as Pathogenic according to the recommendation of ACMG/AMP guideline.

NM_000398.7(CYB5R3):c.244_245del (p.Ser82fs)

Gene: CYB5R3 (cytochrome b5 reductase 3; minus strand). Cytogenetic location: 22q13.2.
Variant type: Microsatellite.
Coding change: c.244_245del on transcript NM_000398.7 (MANE Select); coding-DNA positions 244 to 245, 2 bases deleted (TC; older notation c.244_245delTC).
Protein change: p.Ser82fs; shifts the reading frame from serine 82.
Molecular consequence: frameshift variant.
Genome position (GRCh38, 1-based): chr22:42,630,970-42,630,971, GA deleted on the plus strand (TC on the coding strand, the reverse complement: CYB5R3 is on the minus strand); deleting any 2 consecutive bases within chr22:42,630,970-42,630,974 gives the same sequence; the c. name uses the placement nearest the transcript's 3' end. VCF-style (leftmost placement, unchanged base first): chr22-42630969-CGA-C. GRCh37 (hg19) VCF-style: chr22-43026975-CGA-C.
Other names: c.175_176del, p.Ser59fs (NM_001129819.2, NM_001171661.1, NM_007326.4); c.343_344del, p.Ser115fs (NM_001171660.2); short protein forms S115fs, S59fs, S82fs.
Identifiers: ClinVar variation 4291975 (VCV004291975.1).
Genomic context (GRCh38, chr22:42,630,969, plus strand): 5'-GTCATCATCGCTGGAGATGGGTGTATAGGGCCGGACGACCAGGTTTCCATCAATTCGAGC[CGA>C]GAGGTAGATGTGCTGGCCTGCAGGACAGAACGGGGTCACTCTGGGCCAGAGATCATCCTG-3'